The following is an entry in ClinVar:

ClinVar aggregate classification (germline): Uncertain significance (1 of 4 stars; one submission).

gnomAD v4.1: 3 of 1,613,990 alleles (0.00019%); highest among the groups gnomAD compares: Non-Finnish European, 0.00017%; no homozygotes.

Submission:

GeneDx
Classification: Uncertain significance. Last evaluated: 2024-10-10. Review status: criteria provided, single submitter. Criteria: GeneDx Variant Classification Process June 2021. Collection method: clinical testing. Allele origin: germline. Affected: yes.
Comment: Not observed at significant frequency in large population cohorts (gnomAD); Missense variant in a gene in which most reported pathogenic variants are truncating/loss of function; Has not been previously published as pathogenic or benign to our knowledge

NM_001267550.2(TTN):c.404T>A (p.Val135Glu)

Gene: TTN (titin; minus strand). Cytogenetic location: 2q31.2.
Variant type: single nucleotide variant.
Coding change: c.404T>A on transcript NM_001267550.2 (MANE Select); coding-DNA position 404, T replaced by A.
Protein change: p.Val135Glu; replaces valine 135 with glutamic acid.
Molecular consequence: missense variant.
Genome position (GRCh38, 1-based): chr2:178,800,574, A>T on the plus strand (T>A on the coding strand, the complement: TTN is on the minus strand). VCF-style: chr2-178800574-A-T. GRCh37 (hg19) VCF-style: chr2-179665301-A-T.
Other names: c.404T>A, p.Val135Glu (NM_001256850.1, NM_003319.4, NM_133378.4 and 3 more transcripts); short protein forms V135E.
Identifiers: ClinVar variation 3777450 (VCV003777450.1).
Genomic context (GRCh38, chr2:178,800,574, plus strand): 5'-TCTTGTGAAATTTGGAAATCAAGGGAGCTCTGGATTTCGGCTCCATCCCGGTAGAACTTC[A>T]CCACAGGTGTAGGGATTCCAGTCACTCTCACTTGGAGTCTCACTTGGCTTCCTTGTCTCA-3'
Protein context (NP_001254479.2, residues 125-145): VRVTGIPTPV[Val135Glu]KFYRDGAEIQ